The following is an entry in ClinVar:

ClinVar aggregate classification (germline): Pathogenic/Likely pathogenic. Review status: criteria provided, multiple submitters, no conflicts (2 of 4 stars). 3 submissions from 3 submitters: Pathogenic (1); Likely pathogenic (2). Last evaluated 2026-09-01.

Conditions:
Hypophosphatasia. Also called: Phosphoethanol-aminuria. Identifiers: Orphanet 436, MedGen C0020630, MeSH D007014, MONDO:0018570.

Submissions (3):

Genomenon, Inc
Classification: Likely pathogenic for Hypophosphatasia. Last evaluated: 2026-09-01. Review status: criteria provided, single submitter. Criteria: Genomenon Sequence Variant Interpretation Standards - Updated. Collection method: curation. Allele origin: germline. Affected: no.
Comment: ALPL c.182-2A>G is a canonical splice variant affecting the acceptor splice site of intron 3. This variant has been reported in the published literature (PMID:40386289;41042986). It is absent or not present at a significant frequency in gnomAD. In conclusion, we classify ALPL c.182-2A>G as a likely pathogenic variant.

JKU Lab, Dept of Paediatrics, Johannes Kepler University
Classification: Likely pathogenic for Hypophosphatasia. Last evaluated: 2022-04-19. Review status: criteria provided, single submitter. Criteria: ACMG Guidelines, 2015. Collection method: clinical testing. Allele origin: germline. Affected: yes. Observed: 1 heterozygote.
Comment: Absent from GnomAD. Splice acceptor of exon 4.

Labcorp Genetics (formerly Invitae), Labcorp
Classification: Pathogenic. Last evaluated: 2020-04-28. Review status: criteria provided, single submitter. Criteria: Invitae Variant Classification Sherloc (09022015). Collection method: clinical testing. Allele origin: germline.
Comment: For these reasons, this variant has been classified as Pathogenic. Donor and acceptor splice site variants typically lead to a loss of protein function (PMID: 16199547), and loss-of-function variants in ALPL are known to be pathogenic (PMID: 3174660, 10679946, 19500388). Algorithms developed to predict the effect of sequence changes on RNA splicing suggest that this variant may disrupt the consensus splice site, but this prediction has not been confirmed by published transcriptional studies. Disruption of this splice site has been observed in individual(s) with hypophosphatasia (PMID: 25731960). This variant is not present in population databases (ExAC no frequency). This sequence change affects an acceptor splice site in intron 3 of the ALPL gene. It is expected to disrupt RNA splicing and likely results in an absent or disrupted protein product.

Literature cited by the submitters: PubMed 40386289 (cited by Genomenon, Inc); PubMed 41042986 (cited by Genomenon, Inc); PubMed 16199547 (cited by Labcorp Genetics (formerly Invitae), Labcorp); PubMed 3174660 (cited by Labcorp Genetics (formerly Invitae), Labcorp); PubMed 10679946 (cited by Labcorp Genetics (formerly Invitae), Labcorp); PubMed 19500388 (cited by Labcorp Genetics (formerly Invitae), Labcorp); PubMed 25731960 (cited by Labcorp Genetics (formerly Invitae), Labcorp).

NM_000478.6(ALPL):c.182-2A>G

Gene: ALPL (alkaline phosphatase, biomineralization associated; plus strand). Cytogenetic location: 1p36.12.
Variant type: single nucleotide variant.
Coding change: c.182-2A>G on transcript NM_000478.6 (MANE Select); the canonical splice acceptor site of the intron before coding-DNA position 182, A replaced by G.
Molecular consequence: splice acceptor variant. On other transcripts: intron variant (1).
Genome position (GRCh38, 1-based): chr1:21,561,095, A>G. VCF-style: chr1-21561095-A-G. GRCh37 (hg19) VCF-style: chr1-21887588-A-G.
Other names: c.182-2A>G (NM_001369805.2, NM_001369804.2, NM_001369803.2); c.17-2A>G (NM_001127501.4); c.66+350A>G (NM_001177520.3).
Identifiers: ClinVar variation 1076697 (VCV001076697.11), dbSNP rs2148152217, ClinGen allele CA338877815.